The following is an entry in ClinVar:

NM_000051.4(ATM):c.5971G>T (p.Glu1991Ter)

Genes: C11orf65 (chromosome 11 open reading frame 65; minus strand), ATM (ATM serine/threonine kinase; plus strand). Cytogenetic location: 11q22.3.
Variant type: single nucleotide variant.
Coding change: c.5971G>T on transcript NM_000051.4 (MANE Select); coding-DNA position 5971, G replaced by T.
Protein change: p.Glu1991Ter; replaces glutamic acid 1991 with a stop codon.
Molecular consequence: nonsense. On other transcripts: intron variant (2).
Genome position (GRCh38, 1-based): chr11:108,312,463, G>T. VCF-style: chr11-108312463-G-T. GRCh37 (hg19) VCF-style: chr11-108183190-G-T.
Other names: c.5971G>T, p.Glu1991Ter (NM_001351834.2); c.641-3392C>A (NM_001330368.2); c.*39-3392C>A (NM_001351110.2); short protein forms E1991*.
Identifiers: ClinVar variation 453606 (VCV000453606.20), dbSNP rs786203404, ClinGen allele CA382548737.

ClinVar aggregate classification (germline): Pathogenic. Review status: criteria provided, multiple submitters, no conflicts (2 of 4 stars). 7 submissions from 7 submitters: Pathogenic (7). Last evaluated 2026-01-19.

Conditions:
Hereditary cancer-predisposing syndrome. Also called: Neoplastic Syndromes, Hereditary; Hereditary Cancer Syndrome; Tumor predisposition; Hereditary neoplastic syndrome. Identifiers: Orphanet 140162, MedGen C0027672, MeSH D009386, MONDO:0015356.
Ataxia-telangiectasia syndrome (AT). Also called: LOUIS-BAR SYNDROME; Cerebello-oculocutaneous telangiectasia; Immunodeficiency with ataxia telangiectasia; Ataxia-telangiectasia, complementation group D; AT, COMPLEMENTATION GROUP C; Ataxia-telangiectasia, complementation group E. Identifiers: Orphanet 100, MedGen C0004135, MONDO:0008840, OMIM 208900.
Familial cancer of breast. Also called: Hereditary breast cancer; BREAST CANCER, FAMILIAL; hereditary breast carcinoma. Identifiers: Orphanet 227535, MedGen C0346153, MONDO:0016419, OMIM 114480. Disease mechanism: loss of function.

gnomAD v4.1: 1 of 1,594,348 alleles (0.000063%); highest among the groups gnomAD compares: Non-Finnish European, 0.000086%; no homozygotes.

Submissions (7):

Labcorp Genetics (formerly Invitae), Labcorp
Classification: Pathogenic for Ataxia-telangiectasia syndrome. Last evaluated: 2026-01-19. Review status: criteria provided, single submitter. Criteria: Invitae Variant Classification Sherloc (09022015). Collection method: clinical testing. Allele origin: germline.
Comment: This sequence change creates a premature translational stop signal (p.Glu1991*) in the ATM gene. It is expected to result in an absent or disrupted protein product. Loss-of-function variants in ATM are known to be pathogenic (PMID: 23807571, 25614872). This variant is not present in population databases (gnomAD no frequency). This premature translational stop signal has been observed in individual(s) with clinical features of ATM-related conditions (PMID: 10330348, 25330149). ClinVar contains an entry for this variant (Variation ID: 453606). RNA analysis performed to evaluate the impact of this premature translational stop signal on mRNA splicing indicates it does not significantly alter splicing (internal data). For these reasons, this variant has been classified as Pathogenic.

Ambry Genetics
Classification: Pathogenic for Hereditary cancer-predisposing syndrome. Last evaluated: 2024-11-29. Review status: criteria provided, single submitter. Criteria: Ambry Variant Classification Scheme 2023. Collection method: clinical testing. Allele origin: germline.
Comment: The p.E1991* pathogenic mutation (also known as c.5971G>T), located in coding exon 39 of the ATM gene, results from a G to T substitution at nucleotide position 5971. This changes the amino acid from a glutamic acid to a stop codon within coding exon 39. This mutation has been reported in breast cancer cohorts (Cybulski C et al. Clin. Genet. 2015 Oct;88(4):366-70; Dorling et al. N Engl J Med. 2021 02;384:428-439), and in conjunction with another ATM mutation in an individual diagnosed with ataxia telangiectasia (Teraoka SN et al. Am. J. Hum. Genet. 1999 Jun;64(6):1617-31). This variant is considered to be rare based on population cohorts in the Genome Aggregation Database (gnomAD). In addition to the clinical data presented in the literature, this alteration is expected to result in loss of function by premature protein truncation or nonsense-mediated mRNA decay. As such, this alteration is interpreted as a disease-causing mutation.

Myriad Genetics, Inc.
Classification: Pathogenic for Familial cancer of breast. Last evaluated: 2024-01-26. Review status: criteria provided, single submitter. Criteria: Myriad Autosomal Dominant, Autosomal Recessive and X-Linked Classification Criteria (2023). Collection method: clinical testing. Allele origin: unknown.
Comment: This variant is considered pathogenic. This variant creates a termination codon and is predicted to result in premature protein truncation.

Baylor Genetics
Classification: Pathogenic for Familial cancer of breast. Last evaluated: 2023-12-26. Review status: criteria provided, single submitter. Criteria: ACMG Guidelines, 2015. Collection method: clinical testing. Allele origin: unknown.

Color Diagnostics, LLC DBA Color Health
Classification: Pathogenic for Hereditary cancer-predisposing syndrome. Last evaluated: 2021-04-27. Review status: criteria provided, single submitter. Criteria: ACMG Guidelines, 2015. Collection method: clinical testing. Allele origin: germline.
Comment: This variant changes 1 nucleotide in exon 40 of the ATM gene, creating a premature translation stop signal. This variant is expected to result in an absent or non-functional protein product. This variant has been reported in trans with an additional pathogenic ATM variant in an individual affected with ataxia telangiectasia (PMID: 10330348). This variant has also been reported in individuals affected with breast cancer (PMID: 25330149, 31173646). This variant has not been identified in the general population by the Genome Aggregation Database (gnomAD). Loss of ATM function is a known mechanism of disease. Based on the available evidence, this variant is classified as Pathogenic.

GeneDx
Classification: Pathogenic. Last evaluated: 2019-12-03. Review status: criteria provided, single submitter. Criteria: GeneDx Variant Classification Process June 2021. Collection method: clinical testing. Allele origin: germline. Affected: yes.
Comment: Nonsense variant predicted to result in protein truncation or nonsense mediated decay in a gene for which loss-of-function is a known mechanism of disease; Not observed in large population cohorts (Lek et al., 2016); Observed in an individual with ataxia telangiectasia and a second ATM variant in published literature (Teraoka 1999); This variant is associated with the following publications: (PMID: 10330348, 31173646, 25330149, 25525159)

Athena Diagnostics
Classification: Pathogenic. Last evaluated: 2019-06-28. Review status: criteria provided, single submitter. Criteria: Athena Diagnostics Criteria. Collection method: clinical testing. Allele origin: germline.
Comment: The variant creates a premature nonsense codon, and is therefore predicted to result in the loss of a functional protein. Found in at least one symptomatic patient, and not found in general population data.

Literature cited by the submitters: PubMed 23807571 (cited by Labcorp Genetics (formerly Invitae), Labcorp); PubMed 25614872 (cited by Labcorp Genetics (formerly Invitae), Labcorp); PubMed 10330348 (cited by 3 submitters); PubMed 25330149 (cited by 3 submitters); PubMed 33471991 (cited by Ambry Genetics).